The following is an entry in ClinVar:

ClinVar aggregate classification (germline): Uncertain significance (1 of 4 stars; one submission).

Conditions:
Hereditary cancer-predisposing syndrome. Also called: Tumor predisposition; Neoplastic Syndromes, Hereditary; Hereditary Cancer Syndrome; Hereditary neoplastic syndrome. Identifiers: Orphanet 140162, MedGen C0027672, MeSH D009386, MONDO:0015356.

Submission:

Ambry Genetics
Classification: Uncertain significance for Hereditary cancer-predisposing syndrome. Last evaluated: 2025-01-17. Review status: criteria provided, single submitter. Criteria: Ambry Variant Classification Scheme 2023. Collection method: clinical testing. Allele origin: germline.
Comment: The p.V597L variant (also known as c.1789G>T), located in coding exon 13 of the MSH3 gene, results from a G to T substitution at nucleotide position 1789. The valine at codon 597 is replaced by leucine, an amino acid with highly similar properties. This amino acid position is conserved. In addition, this alteration is predicted to be deleterious by in silico analysis. Based on the available evidence, the clinical significance of this variant remains unclear.

NM_002439.5(MSH3):c.1789G>T (p.Val597Leu)

Gene: MSH3 (mutS homolog 3; plus strand). Cytogenetic location: 5q14.1.
Variant type: single nucleotide variant.
Coding change: c.1789G>T on transcript NM_002439.5 (MANE Select); coding-DNA position 1789, G replaced by T.
Protein change: p.Val597Leu; replaces valine 597 with leucine.
Molecular consequence: missense variant.
Genome position (GRCh38, 1-based): chr5:80,761,571, G>T. VCF-style: chr5-80761571-G-T. GRCh37 (hg19) VCF-style: chr5-80057390-G-T.
Other names: short protein forms V597L.
Identifiers: ClinVar variation 3874975 (VCV003874975.1).